The following is an entry in ClinVar:

ClinVar aggregate classification (germline): Likely benign. Review status: criteria provided, multiple submitters, no conflicts (2 of 4 stars). 3 submissions from 3 submitters: Likely benign (3). Last evaluated 2026-02-01.

Conditions:
Cardiomyopathy (CMYO). Also called: Cardiomyopathies. Identifiers: Orphanet 167848, MedGen C0878544, MONDO:0004994, HP:0001638. Inheritance: Various modes of inheritance.
Hypertrophic cardiomyopathy. Also called: HYPERTROPHIC MYOCARDIOPATHY. Identifiers: Orphanet 217569, MedGen C0007194, MeSH D002312, MONDO:0005045, HP:0001639.

Allele frequency attached by ClinVar (database versions not stated): ExAC 0.00001; gnomAD exomes 0.00001.

Submissions (3):

Labcorp Genetics (formerly Invitae), Labcorp
Classification: Likely benign for Hypertrophic cardiomyopathy. Last evaluated: 2026-02-01. Review status: criteria provided, single submitter. Criteria: Invitae Variant Classification Sherloc (09022015). Collection method: clinical testing. Allele origin: germline.

All of Us Research Program, National Institutes of Health
Classification: Likely benign for Hypertrophic cardiomyopathy. Last evaluated: 2023-06-26. Review status: criteria provided, single submitter. Criteria: ACMG Guidelines, 2015. Collection method: clinical testing. Allele origin: germline. Inheritance: Autosomal dominant inheritance. Observed: 4 variant alleles, 4 heterozygotes.
Comment: This study involves interpretation of variants in research participants for the purpose of population health screening. Participant phenotype was not available at the time of variant classification. Additional details can be found in publication PMID: 35346344, PMCID: PMC8962531

Color Diagnostics, LLC DBA Color Health
Classification: Likely benign for Cardiomyopathy. Last evaluated: 2019-05-28. Review status: criteria provided, single submitter. Criteria: ACMG Guidelines, 2015. Collection method: clinical testing. Allele origin: germline.

NM_000256.3(MYBPC3):c.1928-11G>A

Gene: MYBPC3 (myosin binding protein C3; minus strand). Cytogenetic location: 11p11.2.
Variant type: single nucleotide variant.
Coding change: c.1928-11G>A on transcript NM_000256.3 (MANE Select); 11 bases into the intron before coding-DNA position 1928, G replaced by A.
Molecular consequence: intron variant.
Genome position (GRCh38, 1-based): chr11:47,339,801, C>T on the plus strand (G>A on the coding strand, the complement: MYBPC3 is on the minus strand). VCF-style: chr11-47339801-C-T. GRCh37 (hg19) VCF-style: chr11-47361352-C-T.
Identifiers: ClinVar variation 922680 (VCV000922680.10), dbSNP rs747711596, ClinGen allele CA078415.